The following is an entry in ClinVar:

NM_006030.4(CACNA2D2):c.2650G>T (p.Val884Phe)

Genes: CACNA2D2 (calcium voltage-gated channel auxiliary subunit alpha2delta 2; minus strand), LOC101928965 (uncharacterized LOC101928965; plus strand), LOC127898564 (CYB561D2-LOC101928965; plus strand). Cytogenetic location: 3p21.31.
Variant type: single nucleotide variant.
Coding change: c.2650G>T on transcript NM_006030.4 (MANE Select); coding-DNA position 2650, G replaced by T.
Protein change: p.Val884Phe; replaces valine 884 with phenylalanine.
Molecular consequence: missense variant. On other transcripts: non-coding transcript variant (3).
Genome position (GRCh38, 1-based): chr3:50,366,326, C>A on the plus strand (G>T on the coding strand, the complement: CACNA2D2 is on the minus strand). VCF-style: chr3-50366326-C-A. GRCh37 (hg19) VCF-style: chr3-50403757-C-A.
Other names: c.2650G>T, p.Val884Phe (NM_001005505.3); c.2671G>T, p.Val891Phe (NM_001174051.3); c.2443G>T, p.Val815Phe (NM_001291101.1); c.2653G>T, p.Val885Phe (NM_001410768.1); short protein forms V815F, V885F, V891F, V884F.
Identifiers: ClinVar variation 2050813 (VCV002050813.4), dbSNP rs2470981530, ClinGen allele CA352906937.

ClinVar aggregate classification (germline): Uncertain significance (1 of 4 stars; one submission).

Conditions:
Early-infantile DEE. Also called: Early infantile epileptic encephalopathy; Ohtahara syndrome; Early infantile epileptic encephalopathy with suppression bursts. Identifiers: Orphanet 1934, MedGen C0393706, MONDO:0800491.

Submission:

Labcorp Genetics (formerly Invitae), Labcorp
Classification: Uncertain significance for Early-infantile DEE. Last evaluated: 2023-11-27. Review status: criteria provided, single submitter. Criteria: Invitae Variant Classification Sherloc (09022015). Collection method: clinical testing. Allele origin: germline.
Comment: This sequence change replaces valine, which is neutral and non-polar, with phenylalanine, which is neutral and non-polar, at codon 884 of the CACNA2D2 protein (p.Val884Phe). This variant is not present in population databases (gnomAD no frequency). This variant has not been reported in the literature in individuals affected with CACNA2D2-related conditions. ClinVar contains an entry for this variant (Variation ID: 2050813). An algorithm developed to predict the effect of missense changes on protein structure and function (PolyPhen-2) suggests that this variant is likely to be tolerated. In summary, the available evidence is currently insufficient to determine the role of this variant in disease. Therefore, it has been classified as a Variant of Uncertain Significance.